The following is an entry in ClinVar:

ClinVar aggregate classification (germline): Uncertain significance. Review status: criteria provided, multiple submitters, no conflicts (2 of 4 stars). 3 submissions from 3 submitters: Uncertain significance (2). 1 of the submissions does not count toward it. Last evaluated 2025-02-19.

Conditions:
CFTR-related disorder (CFTR-RD). Also called: CFTR-related disorders; CFTR-related condition. Identifiers: MedGen C5924204, MONDO:7770004.
Cystic fibrosis (CF). Also called: MUCOVISCIDOSIS. Identifiers: Orphanet 586, MedGen C0010674, MONDO:0009061, OMIM 219700. Disease mechanism: loss of function.

Allele frequency attached by ClinVar (database versions not stated): TOPMed below 0.00001.

Submissions (3):

Labcorp Genetics (formerly Invitae), Labcorp
Classification: Uncertain significance for Cystic fibrosis. Last evaluated: 2025-02-19. Review status: criteria provided, single submitter. Criteria: Invitae Variant Classification Sherloc (09022015). Collection method: clinical testing. Allele origin: germline.
Comment: This sequence change replaces leucine, which is neutral and non-polar, with arginine, which is basic and polar, at codon 1034 of the CFTR protein (p.Leu1034Arg). This variant is not present in population databases (gnomAD no frequency). This variant has not been reported in the literature in individuals affected with CFTR-related conditions. ClinVar contains an entry for this variant (Variation ID: 969643). Invitae Evidence Modeling of protein sequence and biophysical properties (such as structural, functional, and spatial information, amino acid conservation, physicochemical variation, residue mobility, and thermodynamic stability) indicates that this missense variant is not expected to disrupt CFTR protein function with a negative predictive value of 80%. In summary, the available evidence is currently insufficient to determine the role of this variant in disease. Therefore, it has been classified as a Variant of Uncertain Significance.

Ambry Genetics
Classification: Uncertain significance for Cystic fibrosis. Last evaluated: 2024-07-09. Review status: criteria provided, single submitter. Criteria: Ambry Variant Classification Scheme 2023. Collection method: clinical testing. Allele origin: germline.
Comment: The p.L1034R variant (also known as c.3101T>G), located in coding exon 19 of the CFTR gene, results from a T to G substitution at nucleotide position 3101. The leucine at codon 1034 is replaced by arginine, an amino acid with dissimilar properties. This amino acid position is conserved. In addition, this alteration is predicted to be deleterious by in silico analysis. Since supporting evidence is limited at this time, the clinical significance of this alteration remains unclear.

Natera, Inc.
Classification: Uncertain significance for CFTR-related disorders. Last evaluated: 2019-03-18. Review status: no assertion criteria provided. Collection method: clinical testing. Allele origin: germline. Not counted in ClinVar's aggregate classification.

NM_000492.4(CFTR):c.3101T>G (p.Leu1034Arg)

Genes: CFTR (CF transmembrane conductance regulator; plus strand), CFTR-AS2 (CFTR antisense RNA 2; minus strand), LOC111674472 (DNase I hypersensitive sites in introns 16 and 17a of CFTR; plus strand). Cytogenetic location: 7q31.2.
Variant type: single nucleotide variant.
Coding change: c.3101T>G on transcript NM_000492.4 (MANE Select); coding-DNA position 3101, T replaced by G.
Protein change: p.Leu1034Arg; replaces leucine 1034 with arginine.
Molecular consequence: missense variant.
Genome position (GRCh38, 1-based): chr7:117,610,631, T>G. VCF-style: chr7-117610631-T-G. GRCh37 (hg19) VCF-style: chr7-117250685-T-G.
Other names: short protein forms L1034R.
Identifiers: ClinVar variation 969643 (VCV000969643.10), dbSNP rs1792369943, ClinGen allele CA368990786.
Genomic context (GRCh38, chr7:117,610,631, plus strand): 5'-ACATCTTTGTTGCAACAGTGCCAGTGATAGTGGCTTTTATTATGTTGAGAGCATATTTCC[T>G]CCAAACCTCACAGCAACTCAAACAACTGGAATCTGAAGGTATGACAGTGAATGTGCGATA-3'
Protein context (NP_000483.3, residues 1024-1044): VAFIMLRAYF[Leu1034Arg]QTSQQLKQLE